The following is an entry in ClinVar:

NM_005142.3(CBLIF):c.1221C>G (p.His407Gln)

Gene: CBLIF (cobalamin binding intrinsic factor; minus strand). Cytogenetic location: 11q12.1.
Variant type: single nucleotide variant.
Coding change: c.1221C>G on transcript NM_005142.3 (MANE Select); coding-DNA position 1221, C replaced by G.
Protein change: p.His407Gln; replaces histidine 407 with glutamine.
Molecular consequence: missense variant.
Genome position (GRCh38, 1-based): chr11:59,829,517, G>C on the plus strand (C>G on the coding strand, the complement: CBLIF is on the minus strand). VCF-style: chr11-59829517-G-C. GRCh37 (hg19) VCF-style: chr11-59596990-G-C.
Other names: short protein forms H407Q.
Identifiers: ClinVar variation 573386 (VCV000573386.3), dbSNP rs148989677, ClinGen allele CA6021345.
Genomic context (GRCh38, chr11:59,829,517, plus strand): 5'-TTGATAGAAGCTGAACCCACCTCTTCGTTAGTACTGTGTGAAATTGGCTGTGATGTGCTC[G>C]TGGTTGAAGGGTATGTAGTCAGCAACCCCTGGAAATAAGCAGAGAATAACATGAGGTGAC-3'
Protein context (NP_005133.2, residues 397-417): EGVADYIPFN[His407Gln]EHITANFTQY

ClinVar aggregate classification (germline): Uncertain significance. Review status: criteria provided, multiple submitters, no conflicts (2 of 4 stars). 2 submissions from 2 submitters: Uncertain significance (2). Last evaluated 2022-07-08.

Conditions:
Hereditary intrinsic factor deficiency (IFD). Also called: PERNICIOUS ANEMIA, CONGENITAL, DUE TO DEFECT OF INTRINSIC FACTOR; Congenital intrinsic factor deficiency. Identifiers: Orphanet 332, MedGen C2062370, MONDO:0009852, OMIM 261000.

Allele frequency attached by ClinVar (database versions not stated): TOPMed 0.00006.
gnomAD v4.1: 52 of 1,611,246 alleles (0.0032%); highest among the groups gnomAD compares: Admixed American, 0.062%; no homozygotes.

Submissions (2):

Ambry Genetics
Classification: Uncertain significance. Last evaluated: 2022-07-08. Review status: criteria provided, single submitter. Criteria: Ambry Variant Classification Scheme 2023. Collection method: clinical testing. Allele origin: germline.

Labcorp Genetics (formerly Invitae), Labcorp
Classification: Uncertain significance for Hereditary intrinsic factor deficiency. Last evaluated: 2021-09-01. Review status: criteria provided, single submitter. Criteria: Invitae Variant Classification Sherloc (09022015). Collection method: clinical testing. Allele origin: germline.
Comment: This sequence change replaces histidine with glutamine at codon 407 of the GIF protein (p.His407Gln). The histidine residue is moderately conserved and there is a small physicochemical difference between histidine and glutamine. This variant is present in population databases (rs148989677, ExAC 0.1%). This variant has not been reported in the literature in individuals affected with GIF-related conditions. Algorithms developed to predict the effect of missense changes on protein structure and function output the following: SIFT: "Tolerated"; PolyPhen-2: "Benign"; Align-GVGD: "Class C0". The glutamine amino acid residue is found in multiple mammalian species, which suggests that this missense change does not adversely affect protein function. Algorithms developed to predict the effect of sequence changes on RNA splicing suggest that this variant may create or strengthen a splice site. In summary, the available evidence is currently insufficient to determine the role of this variant in disease. Therefore, it has been classified as a Variant of Uncertain Significance.